The following is an entry in ClinVar:

ClinVar aggregate classification (germline): Uncertain significance. Review status: criteria provided, multiple submitters, no conflicts (2 of 4 stars). 2 submissions from 2 submitters: Uncertain significance (2). Last evaluated 2025-01-12.

Conditions:
Hereditary cancer-predisposing syndrome. Also called: Hereditary Cancer Syndrome; Tumor predisposition; Neoplastic Syndromes, Hereditary; Hereditary neoplastic syndrome. Identifiers: Orphanet 140162, MedGen C0027672, MeSH D009386, MONDO:0015356.
Gorlin syndrome. Also called: Nevoid Basal Cell Carcinoma Syndrome; Basal cell nevus syndrome. Identifiers: Orphanet 377, MedGen C0004779, MONDO:0007187.

Submissions (2):

Labcorp Genetics (formerly Invitae), Labcorp
Classification: Uncertain significance for Gorlin syndrome. Last evaluated: 2025-01-12. Review status: criteria provided, single submitter. Criteria: Invitae Variant Classification Sherloc (09022015). Collection method: clinical testing. Allele origin: germline.
Comment: This sequence change replaces methionine, which is neutral and non-polar, with arginine, which is basic and polar, at codon 1357 of the PTCH1 protein (p.Met1357Arg). This variant is not present in population databases (gnomAD no frequency). This variant has not been reported in the literature in individuals affected with PTCH1-related conditions. ClinVar contains an entry for this variant (Variation ID: 3231042). Invitae Evidence Modeling of protein sequence and biophysical properties (such as structural, functional, and spatial information, amino acid conservation, physicochemical variation, residue mobility, and thermodynamic stability) indicates that this missense variant is not expected to disrupt PTCH1 protein function with a negative predictive value of 95%. In summary, the available evidence is currently insufficient to determine the role of this variant in disease. Therefore, it has been classified as a Variant of Uncertain Significance.

Ambry Genetics
Classification: Uncertain significance for Hereditary cancer-predisposing syndrome. Last evaluated: 2023-09-23. Review status: criteria provided, single submitter. Criteria: Ambry Variant Classification Scheme 2023. Collection method: clinical testing. Allele origin: germline.
Comment: The p.M1357R variant (also known as c.4070T>G), located in coding exon 23 of the PTCH1 gene, results from a T to G substitution at nucleotide position 4070. The methionine at codon 1357 is replaced by arginine, an amino acid with similar properties. This amino acid position is conserved. In addition, this alteration is predicted to be tolerated by in silico analysis. Since supporting evidence is limited at this time, the clinical significance of this alteration remains unclear.

NM_000264.5(PTCH1):c.4070T>G (p.Met1357Arg)

Gene: PTCH1 (patched 1; minus strand). Cytogenetic location: 9q22.32.
Variant type: single nucleotide variant.
Coding change: c.4070T>G on transcript NM_000264.5 (MANE Select); coding-DNA position 4070, T replaced by G.
Protein change: p.Met1357Arg; replaces methionine 1357 with arginine.
Molecular consequence: missense variant. On other transcripts: non-coding transcript variant (1).
Genome position (GRCh38, 1-based): chr9:95,447,186, A>C on the plus strand (T>G on the coding strand, the complement: PTCH1 is on the minus strand). VCF-style: chr9-95447186-A-C. GRCh37 (hg19) VCF-style: chr9-98209468-A-C.
Other names: c.3872T>G, p.Met1291Arg (NM_001083602.3); c.4067T>G, p.Met1356Arg (NM_001083603.3); c.3617T>G, p.Met1206Arg (NM_001083604.3, NM_001083605.3, NM_001083606.3 and 1 more transcripts); c.3914T>G, p.Met1305Arg (NM_001354918.2); short protein forms M1206R, M1291R, M1305R, M1356R, M1357R.
Identifiers: ClinVar variation 3231042 (VCV003231042.3), dbSNP rs1484373312, ClinGen allele CA374110378.
Genomic context (GRCh38, chr9:95,447,186, plus strand): 5'-ACGGAGGCAGAAGCCGTCACAGTGGTGATGGGCTGGCAGTAGCCGGGCACGGAGCTGCCC[A>C]TGGCAGTGGACGCTGGGTTCCGAGGGTTGTGAGAACGGGCCCCGCGAGGGCCCCAGCGGG-3'
Protein context (NP_000255.2, residues 1347-1367): HNPRNPASTA[Met1357Arg]GSSVPGYCQP